The following is an entry in ClinVar:

ClinVar aggregate classification (germline): Uncertain significance (1 of 4 stars; one submission).

Submission:

Labcorp Genetics (formerly Invitae), Labcorp
Classification: Uncertain significance. Last evaluated: 2021-04-27. Review status: criteria provided, single submitter. Criteria: Invitae Variant Classification Sherloc (09022015). Collection method: clinical testing. Allele origin: germline.
Comment: Algorithms developed to predict the effect of missense changes on protein structure and function are either unavailable or do not agree on the potential impact of this missense change (SIFT: "Tolerated"; PolyPhen-2: "Probably Damaging"; Align-GVGD: "Class C0"). In summary, the available evidence is currently insufficient to determine the role of this variant in disease. Therefore, it has been classified as a Variant of Uncertain Significance. This variant has not been reported in the literature in individuals with HSPG2-related conditions. This sequence change replaces asparagine with lysine at codon 2457 of the HSPG2 protein (p.Asn2457Lys). The asparagine residue is weakly conserved and there is a moderate physicochemical difference between asparagine and lysine. This variant is not present in population databases (ExAC no frequency).

NM_005529.7(HSPG2):c.7371C>G (p.Asn2457Lys)

Gene: HSPG2 (heparan sulfate proteoglycan 2; minus strand). Cytogenetic location: 1p36.12.
Variant type: single nucleotide variant.
Coding change: c.7371C>G on transcript NM_005529.7 (MANE Select); coding-DNA position 7371, C replaced by G.
Protein change: p.Asn2457Lys; replaces asparagine 2457 with lysine.
Molecular consequence: missense variant.
Genome position (GRCh38, 1-based): chr1:21,850,116, G>C on the plus strand (C>G on the coding strand, the complement: HSPG2 is on the minus strand). VCF-style: chr1-21850116-G-C. GRCh37 (hg19) VCF-style: chr1-22176609-G-C.
Other names: c.7374C>G, p.Asn2458Lys (NM_001291860.2); short protein forms N2458K, N2457K.
Identifiers: ClinVar variation 1424378 (VCV001424378.8), dbSNP rs2152716891, ClinGen allele CA338925054.